The following is an entry in ClinVar:

ClinVar aggregate classification (germline): Likely benign (0 of 4 stars; one submission).

Conditions:
SIM1-related disorder. Also called: SIM1-related condition; SIM1-related disorders.

Submission:

PreventionGenetics, part of Exact Sciences
Classification: Likely benign for SIM1-related condition. Last evaluated: 2022-11-21. Review status: no assertion criteria provided. Collection method: clinical testing. Allele origin: germline.
Comment: This variant is classified as likely benign based on ACMG/AMP sequence variant interpretation guidelines (Richards et al. 2015 PMID: 25741868, with internal and published modifications).

NM_005068.3(SIM1):c.1764C>G (p.Pro588=)

Gene: SIM1 (SIM bHLH transcription factor 1; minus strand). Cytogenetic location: 6q16.3.
Variant type: single nucleotide variant.
Coding change: c.1764C>G on transcript NM_005068.3 (MANE Select); coding-DNA position 1764, C replaced by G.
Protein change: p.Pro588=; no amino-acid change (proline 588 retained).
Molecular consequence: synonymous variant.
Genome position (GRCh38, 1-based): chr6:100,390,898, G>C on the plus strand (C>G on the coding strand, the complement: SIM1 is on the minus strand). VCF-style: chr6-100390898-G-C. GRCh37 (hg19) VCF-style: chr6-100838774-G-C.
Other names: c.1764C>G, p.Pro588= (NM_001374769.1).
Identifiers: ClinVar variation 3353787 (VCV003353787.1).